The following is an entry in ClinVar:

NM_203447.4(DOCK8):c.4301A>G (p.His1434Arg)

Gene: DOCK8 (dedicator of cytokinesis 8; plus strand). Cytogenetic location: 9p24.3.
Variant type: single nucleotide variant.
Coding change: c.4301A>G on transcript NM_203447.4 (MANE Select); coding-DNA position 4301, A replaced by G.
Protein change: p.His1434Arg; replaces histidine 1434 with arginine.
Molecular consequence: missense variant.
Genome position (GRCh38, 1-based): chr9:426,944, A>G. VCF-style: chr9-426944-A-G. GRCh37 (hg19) VCF-style: chr9-426944-A-G.
Other names: c.4001A>G, p.His1334Arg (NM_001190458.2); c.4097A>G, p.His1366Arg (NM_001193536.2); short protein forms H1334R, H1366R, H1434R.
Identifiers: ClinVar variation 1716967 (VCV001716967.6), dbSNP rs2537305064, ClinGen allele CA372765824.

ClinVar aggregate classification (germline): Uncertain significance (1 of 4 stars; one submission).

Conditions:
Combined immunodeficiency due to DOCK8 deficiency (HIES2). Also called: HIES autosomal recessive; Hyper-IgE recurrent infection syndrome, autosomal recessive; HYPER-IgE RECURRENT INFECTION SYNDROME 2, AUTOSOMAL RECESSIVE; HYPER-IgE SYNDROME 2, AUTOSOMAL RECESSIVE, WITH RECURRENT INFECTIONS; DOCK8 Deficiency. Identifiers: Orphanet 217390, MedGen C4722305, MONDO:0009478, OMIM 243700.

Allele frequency attached by ClinVar (database versions not stated): gnomAD exomes 0.00001.
gnomAD v4.1: 9 of 1,614,186 alleles (0.00056%); highest among the groups gnomAD compares: Non-Finnish European, 0.00076%; no homozygotes.

Submission:

Labcorp Genetics (formerly Invitae), Labcorp
Classification: Uncertain significance for Combined immunodeficiency due to DOCK8 deficiency. Last evaluated: 2022-08-31. Review status: criteria provided, single submitter. Criteria: Invitae Variant Classification Sherloc (09022015). Collection method: clinical testing. Allele origin: germline.
Comment: This variant has not been reported in the literature in individuals affected with DOCK8-related conditions. This sequence change replaces histidine, which is basic and polar, with arginine, which is basic and polar, at codon 1434 of the DOCK8 protein (p.His1434Arg). This variant is not present in population databases (gnomAD no frequency). Algorithms developed to predict the effect of missense changes on protein structure and function (SIFT, PolyPhen-2, Align-GVGD) all suggest that this variant is likely to be tolerated. In summary, the available evidence is currently insufficient to determine the role of this variant in disease. Therefore, it has been classified as a Variant of Uncertain Significance.